The following is an entry in ClinVar:

ClinVar aggregate classification (germline): Benign/Likely benign. Review status: criteria provided, multiple submitters, no conflicts (2 of 4 stars). 4 submissions from 4 submitters: Benign (1); Likely benign (2). 1 of the submissions does not count toward it. Last evaluated 2024-11-26.

Conditions:
Occult macular dystrophy (OCMD). Also called: OMD; OCCULT MACULAR DYSTROPHY, SUSCEPTIBILITY TO. Identifiers: Orphanet 247834, MedGen C3150833, MONDO:0013316, OMIM 613587, HP:0030636.
RP1L1-related disorder. Also called: RP1L1-related condition.

Allele frequency attached by ClinVar (database versions not stated): gnomAD exomes 0.00053 and 0.00125; ExAC 0.00081; ESP Exome Variant Server 0.00081; TOPMed 0.00081; gnomAD 0.00084 and 0.00087.
gnomAD v4.1: 988 of 1,612,314 alleles (0.061%); highest among the groups gnomAD compares: Admixed American, 0.022%; 7 homozygotes.

Submissions (4):

Blueprint Genetics
Classification: Likely benign. Last evaluated: 2024-11-26. Review status: criteria provided, single submitter. Criteria: ACMG Guidelines, 2015. Collection method: clinical testing. Allele origin: germline.

CeGaT Center for Human Genetics Tuebingen
Classification: Likely benign. Last evaluated: 2023-03-01. Review status: criteria provided, single submitter. Criteria: CeGaT Center For Human Genetics Tuebingen Variant Classification Criteria Version 2. Collection method: clinical testing. Allele origin: germline. Affected: yes. Observed: 2 variant alleles.
Comment: RP1L1: BP4, BP7

Illumina Laboratory Services, Illumina
Classification: Benign for Occult macular dystrophy. Last evaluated: 2018-01-13. Review status: criteria provided, single submitter. Criteria: ICSL Variant Classification Criteria 13 December 2019. Collection method: clinical testing. Allele origin: germline.
Comment: This variant was observed in the ICSL laboratory as part of a predisposition screen in an ostensibly healthy population. It had not been previously curated by ICSL or reported in the Human Gene Mutation Database (HGMD: prior to June 1st, 2018), and was therefore a candidate for classification through an automated scoring system. Utilizing variant allele frequency, disease prevalence and penetrance estimates, and inheritance mode, an automated score was calculated to assess if this variant is too frequent to cause the disease. Based on the score and internal cut-off values, a variant classified as benign is not then subjected to further curation. The score for this variant resulted in a classification of benign for this disease.

PreventionGenetics, part of Exact Sciences
Classification: Benign for RP1L1-related condition. Last evaluated: 2019-07-22. Review status: no assertion criteria provided. Collection method: clinical testing. Allele origin: germline. Not counted in ClinVar's aggregate classification.
Comment: This variant is classified as benign based on ACMG/AMP sequence variant interpretation guidelines (Richards et al. 2015 PMID: 25741868, with internal and published modifications).

NM_178857.6(RP1L1):c.1599G>A (p.Ser533=)

Gene: RP1L1 (RP1 like 1). Cytogenetic location: 8p23.1.
Variant type: single nucleotide variant.
Coding change: c.1599G>A on transcript NM_178857.6 (MANE Select); coding-DNA position 1599, G replaced by A.
Protein change: p.Ser533=; no amino-acid change (serine 533 retained).
Molecular consequence: synonymous variant.
Genome position (GRCh38, 1-based): chr8:10,612,499, C>T on the plus strand (G>A on the coding strand, the complement: RP1L1 is on the minus strand). VCF-style: chr8-10612499-C-T. GRCh37 (hg19) VCF-style: chr8-10470009-C-T.
Identifiers: ClinVar variation 361369 (VCV000361369.31), dbSNP rs201785951, ClinGen allele CA4625115.